The following is an entry in ClinVar:

NM_001754.5(RUNX1):c.343G>A (p.Ala115Thr)

Gene: RUNX1 (RUNX family transcription factor 1; minus strand). Cytogenetic location: 21q22.12.
Variant type: single nucleotide variant.
Coding change: c.343G>A on transcript NM_001754.5 (MANE Select); coding-DNA position 343, G replaced by A.
Protein change: p.Ala115Thr; replaces alanine 115 with threonine.
Molecular consequence: missense variant.
Genome position (GRCh38, 1-based): chr21:34,886,851, C>T on the plus strand (G>A on the coding strand, the complement: RUNX1 is on the minus strand). VCF-style: chr21-34886851-C-T. GRCh37 (hg19) VCF-style: chr21-36259148-C-T.
Other names: NM_001754.5(RUNX1):c.343G>A; p.Ala115Thr; c.262G>A, p.Ala88Thr (NM_001001890.3, NM_001122607.2); short protein forms A115T, A88T.
Identifiers: ClinVar variation 3009082 (VCV003009082.5), dbSNP rs2146407857, ClinGen allele CA410203375.

ClinVar aggregate classification (germline): Uncertain significance. Review status: reviewed by expert panel (3 of 4 stars). 3 submissions from 3 submitters: Uncertain significance (1). 2 of the submissions do not count toward it. Last evaluated 2024-09-12.

Conditions:
Hereditary thrombocytopenia and hematologic cancer predisposition syndrome. Identifiers: Orphanet 71290, MedGen CN281654, MONDO:0011071.
Inborn genetic diseases. Identifiers: MedGen C0950123, MeSH D030342.
Hereditary thrombocytopenia and hematological cancer predisposition syndrome associated with RUNX1. Also called: RUNX1 Familial Platelet Disorder with Associated Myeloid Malignancies; Familial Platelet Disorder with Propensity to Acute Myelogenous Leukemia; Familial thrombocytopenia with propensity to acute myelogenous leukemia; PLATELET DISORDER, ASPIRIN-LIKE. Identifiers: Orphanet 71290, MedGen C1832388, MeSH C563324, MONDO:0100083, OMIM 601399.

Submissions (3):

ClinGen Myeloid Malignancy Variant Curation Expert Panel
Classification: Uncertain significance for Hereditary thrombocytopenia and hematologic cancer predisposition syndrome. Last evaluated: 2024-09-12. Review status: reviewed by expert panel. Criteria: ClinGen MyeloMalig ACMG Specifications v2. Collection method: curation. Allele origin: germline. Inheritance: Autosomal dominant inheritance.
Comment: NM_001754.5(RUNX1):c.343G>A (p.Ala115Thr) is a missense variant which has a REVEL score of 0.948 (PP3). This variant is located within the Runt Homology Domain (AA 89-204), but does not occur in an established hotspot residue (PM1_supporting). It is completely absent from all population databases with at least 20x coverage for RUNX1 (PM2_supporting). In summary, the clinical significance of this variant is uncertain. ACMG/AMP criteria applied, as specified by the Myeloid Malignancy Variant Curation Expert Panel for RUNX1: PP3, PM1_supporting, PM2_supporting.

Ambry Genetics
Classification: Uncertain significance for Inborn genetic diseases. Last evaluated: 2025-10-29. Review status: criteria provided, single submitter. Criteria: Ambry Variant Classification Scheme 2023. Collection method: clinical testing. Allele origin: germline. Not counted in ClinVar's aggregate classification.
Comment: The p.A115T variant (also known as c.343G>A), located in coding exon 3 of the RUNX1 gene, results from a G to A substitution at nucleotide position 343. The alanine at codon 115 is replaced by threonine, an amino acid with similar properties. This amino acid position is highly conserved in available vertebrate species. In addition, this alteration is predicted to be deleterious by in silico analysis. Based on the available evidence, the clinical significance of this variant remains unclear.

Labcorp Genetics (formerly Invitae), Labcorp
Classification: Uncertain significance for Hereditary thrombocytopenia and hematological cancer predisposition syndrome associated with RUNX1. Last evaluated: 2023-09-15. Review status: criteria provided, single submitter. Criteria: Invitae Variant Classification Sherloc (09022015). Collection method: clinical testing. Allele origin: germline. Not counted in ClinVar's aggregate classification.
Comment: In summary, the available evidence is currently insufficient to determine the role of this variant in disease. Therefore, it has been classified as a Variant of Uncertain Significance. Advanced modeling of protein sequence and biophysical properties (such as structural, functional, and spatial information, amino acid conservation, physicochemical variation, residue mobility, and thermodynamic stability) has been performed at Invitae for this missense variant, however the output from this modeling did not meet the statistical confidence thresholds required to predict the impact of this variant on RUNX1 protein function. This variant has not been reported in the literature in individuals affected with RUNX1-related conditions. This variant is not present in population databases (gnomAD no frequency). This sequence change replaces alanine, which is neutral and non-polar, with threonine, which is neutral and polar, at codon 115 of the RUNX1 protein (p.Ala115Thr).